The following is an entry in ClinVar:

ClinVar aggregate classification (germline): Benign/Likely benign. Review status: criteria provided, multiple submitters, no conflicts (2 of 4 stars). 11 submissions from 11 submitters: Benign (2); Likely benign (8). 1 of the submissions does not count toward it. Last evaluated 2026-01-26.

Conditions:
Hereditary cancer-predisposing syndrome. Also called: Tumor predisposition; Neoplastic Syndromes, Hereditary; Hereditary Cancer Syndrome; Hereditary neoplastic syndrome. Identifiers: Orphanet 140162, MedGen C0027672, MeSH D009386, MONDO:0015356.
Familial cancer of breast. Also called: hereditary breast carcinoma; BREAST CANCER, FAMILIAL; Hereditary breast cancer. Identifiers: Orphanet 227535, MedGen C0346153, MONDO:0016419, OMIM 114480. Disease mechanism: loss of function.
Ataxia-telangiectasia syndrome (AT). Also called: LOUIS-BAR SYNDROME; Ataxia-telangiectasia, complementation group D; Ataxia telangiectasia (A-T); AT, COMPLEMENTATION GROUP C; ATAXIA-TELANGIECTASIA, COMPLEMENTATION GROUP A; ATAXIA-TELANGIECTASIA, FRESNO VARIANT. Identifiers: Orphanet 100, MedGen C0004135, MONDO:0008840, OMIM 208900.

Allele frequency attached by ClinVar (database versions not stated): gnomAD exomes 0.00002 and 0.00005; TOPMed 0.00002; gnomAD 0.00003.
gnomAD v4.1: 80 of 1,613,840 alleles (0.005%); highest among the groups gnomAD compares: Non-Finnish European, 0.0064%; no homozygotes.

Submissions (11):

Labcorp Genetics (formerly Invitae), Labcorp
Classification: Likely benign for Ataxia-telangiectasia syndrome. Last evaluated: 2026-01-26. Review status: criteria provided, single submitter. Criteria: Invitae Variant Classification Sherloc (09022015). Collection method: clinical testing. Allele origin: germline.

CeGaT Center for Human Genetics Tuebingen
Classification: Likely benign. Last evaluated: 2025-07-01. Review status: criteria provided, single submitter. Criteria: CeGaT Center For Human Genetics Tuebingen Variant Classification Criteria Version 2. Collection method: clinical testing. Allele origin: germline. Affected: yes. Observed: 2 variant alleles.
Comment: ATM: BP4, BP7

Mayo Clinic Laboratories, Mayo Clinic
Classification: Likely benign. Last evaluated: 2025-03-10. Review status: criteria provided, single submitter. Criteria: ACMG Guidelines, 2015. Collection method: clinical testing. Allele origin: germline. Observed: 1 variant allele.
Comment: BP4, BP7

Myriad Genetics, Inc.
Classification: Benign for Familial cancer of breast. Last evaluated: 2024-04-26. Review status: criteria provided, single submitter. Criteria: Myriad Autosomal Dominant, Autosomal Recessive and X-Linked Classification Criteria (2023). Collection method: clinical testing. Allele origin: unknown.
Comment: This variant is considered benign. This variant is a silent/synonymous amino acid change and it is not expected to impact splicing.

Quest Diagnostics Nichols Institute San Juan Capistrano
Classification: Likely benign. Last evaluated: 2021-12-17. Review status: criteria provided, single submitter. Criteria: Quest Diagnostics criteria. Collection method: clinical testing. Allele origin: unknown.

ARUP Laboratories, Molecular Genetics and Genomics, ARUP Laboratories
Classification: Likely benign. Last evaluated: 2021-08-06. Review status: criteria provided, single submitter. Criteria: ARUP Molecular Germline Variant Investigation Process 2021. Collection method: clinical testing. Allele origin: germline.

Women's Health and Genetics/Laboratory Corporation of America, LabCorp
Classification: Likely benign. Last evaluated: 2020-11-06. Review status: criteria provided, single submitter. Criteria: LabCorp Variant Classification Summary - May 2015. Collection method: clinical testing. Allele origin: germline.

Color Diagnostics, LLC DBA Color Health
Classification: Likely benign for Hereditary cancer-predisposing syndrome. Last evaluated: 2015-07-22. Review status: criteria provided, single submitter. Criteria: ACMG Guidelines, 2015. Collection method: clinical testing. Allele origin: germline.

GeneDx
Classification: Benign. Last evaluated: 2015-05-05. Review status: criteria provided, single submitter. Criteria: GeneDx Variant Classification Process June 2021. Collection method: clinical testing. Allele origin: germline. Affected: yes.

Ambry Genetics
Classification: Likely benign for Hereditary cancer-predisposing syndrome. Last evaluated: 2014-09-09. Review status: criteria provided, single submitter. Criteria: Ambry Variant Classification Scheme 2023. Collection method: clinical testing. Allele origin: germline.

Natera, Inc.
Classification: Likely benign for Ataxia-telangiectasia. Last evaluated: 2020-03-27. Review status: no assertion criteria provided. Collection method: clinical testing. Allele origin: germline. Not counted in ClinVar's aggregate classification.

Literature cited by the submitters: PubMed 28779002 (cited by Quest Diagnostics Nichols Institute San Juan Capistrano).

NM_000051.4(ATM):c.1332C>A (p.Pro444=)

Gene: ATM (ATM serine/threonine kinase; plus strand). Cytogenetic location: 11q22.3.
Variant type: single nucleotide variant.
Coding change: c.1332C>A on transcript NM_000051.4 (MANE Select); coding-DNA position 1332, C replaced by A.
Protein change: p.Pro444=; no amino-acid change (proline 444 retained).
Molecular consequence: synonymous variant.
Genome position (GRCh38, 1-based): chr11:108,250,797, C>A. VCF-style: chr11-108250797-C-A. GRCh37 (hg19) VCF-style: chr11-108121524-C-A.
Other names: p.Pro444=; c.1332C>A, p.Pro444= (NM_001351834.2).
Identifiers: ClinVar variation 184641 (VCV000184641.48), dbSNP rs763361384, ClinGen allele CA189541.
Genomic context (GRCh38, chr11:108,250,797, plus strand): 5'-TGCAAGTTTACCTAACTGTGAGCTGTCTCCATTACTGATGATACTATCTCAGCTTCTACC[C>A]CAACAGCGACATGGGGAACGTACACCATATGTGTTACGATGCCTTACGGAAGTTGCATTG-3'
Protein context (NP_000042.3, residues 434-454): PLLMILSQLL[Pro444=]QQRHGERTPY